The following is an entry in ClinVar:

ClinVar aggregate classification (germline): Likely benign (1 of 4 stars; one submission).

Conditions:
Cardiomyopathy (CMYO). Also called: Cardiomyopathies. Identifiers: Orphanet 167848, MedGen C0878544, MONDO:0004994, HP:0001638. Inheritance: Various modes of inheritance.

Allele frequency attached by ClinVar (database versions not stated): gnomAD exomes below 0.00001; TOPMed below 0.00001.
gnomAD v4.1: 3 of 1,613,970 alleles (0.00019%); highest among the groups gnomAD compares: Non-Finnish European, 0.00025%; no homozygotes.

Submission:

All of Us Research Program, National Institutes of Health
Classification: Likely benign for Cardiomyopathy. Last evaluated: 2022-11-30. Review status: criteria provided, single submitter. Criteria: ACMG Guidelines, 2015. Collection method: clinical testing. Allele origin: germline. Inheritance: Autosomal dominant inheritance. Observed: 1 variant allele, 1 heterozygote.
Comment: This study involves interpretation of variants in research participants for the purpose of population health screening. Participant phenotype was not available at the time of variant classification. Additional details can be found in publication PMID: 35346344, PMCID: PMC8962531

NM_001276345.2(TNNT2):c.610-11A>G

Gene: TNNT2 (troponin T2, cardiac type; minus strand). Cytogenetic location: 1q32.1.
Variant type: single nucleotide variant.
Coding change: c.610-11A>G on transcript NM_001276345.2 (MANE Select); 11 bases into the intron before coding-DNA position 610, A replaced by G.
Molecular consequence: intron variant.
Genome position (GRCh38, 1-based): chr1:201,362,033, T>C on the plus strand (A>G on the coding strand, the complement: TNNT2 is on the minus strand). VCF-style: chr1-201362033-T-C. GRCh37 (hg19) VCF-style: chr1-201331161-T-C.
Other names: c.571-11A>G (NM_001406727.1, NM_001001431.3, NM_001406726.1); c.580-11A>G (NM_001406724.1, NM_001001430.3, NM_001276347.2); c.562-11A>G (NM_001001432.3); c.565-11A>G (NM_001406728.1); c.577-11A>G (NM_001406725.1); c.481-11A>G (NM_001276346.2); c.601-11A>G (NM_000364.4, NM_001406723.1).
Identifiers: ClinVar variation 3069336 (VCV003069336.1), dbSNP rs1192064321, ClinGen allele CA344204085.
Genomic context (GRCh38, chr1:201,362,033, plus strand): 5'-TTCTTCTTCTTTTCCCGCTCAGTCTGCCTCTTCCCACTTTTCCGCTCTGTCTGGAGGGTG[T>C]GGGAAGCAGAGTAAACTGGCCAGATTGCCCCCTCCCTGTCCCCTAACCCTCCCCAAACCC-3'